The following is an entry in ClinVar:

ClinVar aggregate classification (germline): Conflicting classifications of pathogenicity. Review status: criteria provided, conflicting classifications (1 of 4 stars). 7 submissions from 7 submitters: Uncertain significance (4); Likely benign (2). 1 of the submissions does not count toward it. Last evaluated 2025-12-03.

Conditions:
MYO1E-related disorder. Also called: MYO1E-related condition.
Focal segmental glomerulosclerosis 6 (FSGS6). Identifiers: Orphanet 656, MedGen C3279905, MONDO:0013589, OMIM 614131.

Allele frequency attached by ClinVar (database versions not stated): 1000 Genomes Project 30x 0.00016; 1000 Genomes Project 0.00020; ESP Exome Variant Server 0.00255.
gnomAD v4.1: 4,186 of 1,613,958 alleles (0.26%); highest among the groups gnomAD compares: Non-Finnish European, 0.32%; 11 homozygotes.

Submissions (7):

Labcorp Genetics (formerly Invitae), Labcorp
Classification: Likely benign. Last evaluated: 2025-12-03. Review status: criteria provided, single submitter. Criteria: Invitae Variant Classification Sherloc (09022015). Collection method: clinical testing. Allele origin: germline.

Mayo Clinic Laboratories, Mayo Clinic
Classification: Likely benign. Last evaluated: 2025-09-22. Review status: criteria provided, single submitter. Criteria: ACMG Guidelines, 2015. Collection method: clinical testing. Allele origin: germline. Observed: 1 variant allele.
Comment: BS1, BP4_moderate

Genetic Services Laboratory, University of Chicago
Classification: Uncertain significance. Last evaluated: 2023-01-18. Review status: criteria provided, single submitter. Criteria: ACMG Guidelines, 2015. Collection method: clinical testing. Allele origin: germline. Affected: no.
Comment: DNA sequence analysis of the MYO1E gene demonstrated a sequence change, c.2627C>G, in exon 23 that results in an amino acid change, p.Thr876Arg. This sequence change has been described in the gnomAD database with a frequency of 0.23% in the non-Finnish European subpopulation (dbSNP rs147596471). The p.Thr876Arg change affects a highly conserved amino acid residue located in a domain of the MYO1E protein that is known to be functional. In-silico pathogenicity prediction tools (SIFT, PolyPhen2, Align GVGD, REVEL) provide contradictory results for the p.Thr876Arg substitution. This sequence change has been previously described in the homozygous state in two siblings who also had a pathogenic COL4A5 variant and severe disease (PMID: 25739341). Due to insufficient evidence and the lack of functional studies, the clinical significance of the p.Thr876Arg change remains unknown at this time. Biallelic

Department of Pathology and Laboratory Medicine, Sinai Health System
Classification: Uncertain significance for Focal segmental glomerulosclerosis 6. Last evaluated: 2022-10-31. Review status: criteria provided, single submitter. Criteria: ACMG Guidelines, 2015. Collection method: research. Allele origin: germline.

CeGaT Center for Human Genetics Tuebingen
Classification: Uncertain significance. Last evaluated: 2019-07-01. Review status: criteria provided, single submitter. Criteria: CeGaT Center For Human Genetics Tuebingen Variant Classification Criteria Version 2. Collection method: clinical testing. Allele origin: germline. Affected: yes. Observed: 1 variant allele.

Baylor Genetics
Classification: Uncertain significance for Focal segmental glomerulosclerosis 6. Last evaluated: 2018-01-24. Review status: criteria provided, single submitter. Criteria: ACMG Guidelines, 2015. Collection method: clinical testing. Allele origin: maternal. Affected: yes.
Comment: This variant was determined to be of uncertain significance according to ACMG Guidelines, 2015 [PMID:25741868].

PreventionGenetics, part of Exact Sciences
Classification: Likely benign for MYO1E-related condition. Last evaluated: 2022-01-31. Review status: no assertion criteria provided. Collection method: clinical testing. Allele origin: germline. Not counted in ClinVar's aggregate classification.
Comment: This variant is classified as likely benign based on ACMG/AMP sequence variant interpretation guidelines (Richards et al. 2015 PMID: 25741868, with internal and published modifications).

Literature cited by the submitters: PubMed 25739341 (cited by Mayo Clinic Laboratories, Mayo Clinic); PubMed 35368817 (cited by Mayo Clinic Laboratories, Mayo Clinic); PubMed 38735682 (cited by Mayo Clinic Laboratories, Mayo Clinic).

NM_004998.4(MYO1E):c.2627C>G (p.Thr876Arg)

Gene: MYO1E (myosin IE; minus strand). Cytogenetic location: 15q22.2.
Variant type: single nucleotide variant.
Coding change: c.2627C>G on transcript NM_004998.4 (MANE Select); coding-DNA position 2627, C replaced by G.
Protein change: p.Thr876Arg; replaces threonine 876 with arginine.
Molecular consequence: missense variant.
Genome position (GRCh38, 1-based): chr15:59,163,157, G>C on the plus strand (C>G on the coding strand, the complement: MYO1E is on the minus strand). VCF-style: chr15-59163157-G-C. GRCh37 (hg19) VCF-style: chr15-59455356-G-C.
Other names: p.Thr876Arg; short protein forms T876R.
Identifiers: ClinVar variation 871066 (VCV000871066.54), dbSNP rs147596471, ClinGen allele CA7589179.